The following is an entry in ClinVar:

ClinVar aggregate classification (germline): Uncertain significance (1 of 4 stars; one submission).

Submission:

Labcorp Genetics (formerly Invitae), Labcorp
Classification: Uncertain significance. Last evaluated: 2025-06-12. Review status: criteria provided, single submitter. Criteria: Invitae Variant Classification Sherloc (09022015). Collection method: clinical testing. Allele origin: germline.
Comment: This sequence change replaces leucine, which is neutral and non-polar, with arginine, which is basic and polar, at codon 1413 of the COL4A4 protein (p.Leu1413Arg). This variant is not present in population databases (gnomAD no frequency). This variant has not been reported in the literature in individuals affected with COL4A4-related conditions. ClinVar contains an entry for this variant (Variation ID: 2109695). Invitae Evidence Modeling of protein sequence and biophysical properties (such as structural, functional, and spatial information, amino acid conservation, physicochemical variation, residue mobility, and thermodynamic stability) indicates that this missense variant is not expected to disrupt COL4A4 protein function with a negative predictive value of 95%. Algorithms developed to predict the effect of sequence changes on RNA splicing suggest that this variant may disrupt the consensus splice site. In summary, the available evidence is currently insufficient to determine the role of this variant in disease. Therefore, it has been classified as a Variant of Uncertain Significance.

NM_000092.5(COL4A4):c.4238T>G (p.Leu1413Arg)

Gene: COL4A4 (collagen type IV alpha 4 chain; minus strand). Cytogenetic location: 2q36.3.
Variant type: single nucleotide variant.
Coding change: c.4238T>G on transcript NM_000092.5 (MANE Select); coding-DNA position 4238, T replaced by G.
Protein change: p.Leu1413Arg; replaces leucine 1413 with arginine.
Molecular consequence: missense variant.
Genome position (GRCh38, 1-based): chr2:227,012,276, A>C on the plus strand (T>G on the coding strand, the complement: COL4A4 is on the minus strand). VCF-style: chr2-227012276-A-C. GRCh37 (hg19) VCF-style: chr2-227876992-A-C.
Other names: short protein forms L1413R.
Identifiers: ClinVar variation 2109695 (VCV002109695.4), dbSNP rs2472737038, ClinGen allele CA350836568.